The following is an entry in ClinVar:

NM_000218.3(KCNQ1):c.1514+32183G>T

Genes: KCNQ1 (potassium voltage-gated channel subfamily Q member 1; plus strand), KCNQ1OT1 (KCNQ1 opposite strand/antisense transcript 1; minus strand). Cytogenetic location: 11p15.5.
Variant type: single nucleotide variant.
Coding change: c.1514+32183G>T on transcript NM_000218.3 (MANE Select); 32183 bases into the intron after coding-DNA position 1514, G replaced by T.
Molecular consequence: intron variant. On other transcripts: non-coding transcript variant (1).
Genome position (GRCh38, 1-based): chr11:2,694,264, G>T. VCF-style: chr11-2694264-G-T. GRCh37 (hg19) VCF-style: chr11-2715494-G-T.
Other names: c.1244+32183G>T (NM_001406837.1); c.1418+32183G>T (NM_001406836.1); c.974+32183G>T (NM_001406838.1); c.1133+32183G>T (NM_181798.2).
Identifiers: ClinVar variation 3771845 (VCV003771845.13).

ClinVar aggregate classification (germline): Likely benign (1 of 4 stars; one submission).

gnomAD v4.1: 19 of 398,544 alleles (0.0048%); highest among the groups gnomAD compares: Non-Finnish European, 0.008%; no homozygotes.

Submission:

CeGaT Center for Human Genetics Tuebingen
Classification: Likely benign. Last evaluated: 2025-02-01. Review status: criteria provided, single submitter. Criteria: CeGaT Center For Human Genetics Tuebingen Variant Classification Criteria Version 2. Collection method: clinical testing. Allele origin: germline. Affected: yes. Observed: 1 variant allele.
Comment: KCNQ1OT1: BS2